The following is an entry in ClinVar:

NM_004360.5(CDH1):c.1353T>C (p.Ile451=)

Gene: CDH1 (cadherin 1; plus strand). Cytogenetic location: 16q22.1.
Variant type: single nucleotide variant.
Coding change: c.1353T>C on transcript NM_004360.5 (MANE Select); coding-DNA position 1353, T replaced by C.
Protein change: p.Ile451=; no amino-acid change (isoleucine 451 retained).
Molecular consequence: synonymous variant. On other transcripts: 5 prime UTR variant (2).
Genome position (GRCh38, 1-based): chr16:68,815,547, T>C. VCF-style: chr16-68815547-T-C. GRCh37 (hg19) VCF-style: chr16-68849450-T-C.
Other names: p.I451I:ATT>ATC; c.1353T>C (LRG_301t1); c.1170T>C, p.Ile390= (NM_001317184.2); c.-196T>C (NM_001317185.2); c.-467T>C (NM_001317186.2).
Identifiers: ClinVar variation 136696 (VCV000136696.28), dbSNP rs114192597, ClinGen allele CA290009.

ClinVar aggregate classification (germline): Benign/Likely benign. Review status: criteria provided, multiple submitters, no conflicts (2 of 4 stars). 12 submissions from 12 submitters: Benign (4); Likely benign (5). 3 of the submissions do not count toward it. Last evaluated 2026-01-27.

Conditions:
CDH1-related disorder. Also called: CDH1-related condition.
Hereditary cancer-predisposing syndrome. Also called: Tumor predisposition; Hereditary neoplastic syndrome; Neoplastic Syndromes, Hereditary; Hereditary Cancer Syndrome. Identifiers: Orphanet 140162, MedGen C0027672, MeSH D009386, MONDO:0015356.
Breast and/or ovarian cancer. Identifiers: MedGen CN221562.
Hereditary diffuse gastric adenocarcinoma (HDGC). Also called: DIFFUSE GASTRIC AND LOBULAR BREAST CANCER SYNDROME. Identifiers: Orphanet 26106, MedGen C1708349, MONDO:0007648, OMIM 137215.
Malignant tumor of breast. Also called: Malignant breast neoplasm; Cancer breast. Identifiers: MedGen C0006142, MONDO:0007254. Disease mechanism: loss of function.

Allele frequency attached by ClinVar (database versions not stated): gnomAD exomes 0.00007; ExAC 0.00008; TOPMed 0.00011; gnomAD 0.00014; 1000 Genomes Project 30x 0.00016; 1000 Genomes Project 0.00020; ESP Exome Variant Server 0.00023.
gnomAD v4.1: 399 of 1,614,236 alleles (0.025%); highest among the groups gnomAD compares: Non-Finnish European, 0.033%; no homozygotes.

Submissions (12):

Labcorp Genetics (formerly Invitae), Labcorp
Classification: Likely benign for Hereditary diffuse gastric adenocarcinoma. Last evaluated: 2026-01-27. Review status: criteria provided, single submitter. Criteria: Invitae Variant Classification Sherloc (09022015). Collection method: clinical testing. Allele origin: germline.

Myriad Genetics, Inc.
Classification: Benign for Hereditary diffuse gastric adenocarcinoma. Last evaluated: 2024-09-18. Review status: criteria provided, single submitter. Criteria: Myriad Autosomal Dominant, Autosomal Recessive and X-Linked Classification Criteria (2023). Collection method: clinical testing. Allele origin: unknown.
Comment: This variant is considered benign. This variant is a silent/synonymous amino acid change and it is not expected to impact splicing.

CHEO Genetics Diagnostic Laboratory, Children's Hospital of Eastern Ontario
Classification: Likely benign for Breast and/or ovarian cancer. Last evaluated: 2022-08-08. Review status: criteria provided, single submitter. Criteria: ACMG Guidelines, 2015. Collection method: clinical testing. Allele origin: germline.

Sema4
Classification: Likely benign for Hereditary cancer-predisposing syndrome. Last evaluated: 2021-09-16. Review status: criteria provided, single submitter. Criteria: Sema4 Curation Guidelines. Collection method: curation. Allele origin: germline.

Quest Diagnostics Nichols Institute San Juan Capistrano
Classification: Benign. Last evaluated: 2017-06-09. Review status: criteria provided, single submitter. Criteria: Quest Diagnostics criteria. Collection method: clinical testing. Allele origin: germline.

Women's Health and Genetics/Laboratory Corporation of America, LabCorp
Classification: Benign. Last evaluated: 2017-06-05. Review status: criteria provided, single submitter. Criteria: LabCorp Variant Classification Summary - May 2015. Collection method: clinical testing. Allele origin: germline.
Comment: Variant summary: The CDH1 c.1353T>C (p.Ile451Ile) variant involves the alteration of a non-conserved nucleotide, resulting in a synonymous change. One in silico tool predicts a disease-causing outcome for this variant. 5/5 splice prediction tools predict no significant impact on normal splicing. However, these predictions have yet to be confirmed by functional studies. This variant was found in 10/121402 control chromosomes, predominantly observed in the European (Non-Finnish) subpopulation at a frequency of 0.00015 (10/66738). This frequency is about 5 times the estimated maximal expected allele frequency of a pathogenic CDH1 variant (0.0000283), suggesting this is likely a benign polymorphism found primarily in the populations of European (Non-Finnish) origin. In addition, multiple clinical diagnostic laboratories/reputable databases classified this variant as benign/likely benign. Taken together, this variant is classified as benign.

Color Diagnostics, LLC DBA Color Health
Classification: Likely benign for Hereditary cancer-predisposing syndrome. Last evaluated: 2015-08-17. Review status: criteria provided, single submitter. Criteria: ACMG Guidelines, 2015. Collection method: clinical testing. Allele origin: germline.

Ambry Genetics
Classification: Likely benign for Hereditary cancer-predisposing syndrome. Last evaluated: 2014-07-28. Review status: criteria provided, single submitter. Criteria: Ambry Variant Classification Scheme 2023. Collection method: clinical testing. Allele origin: germline.

GeneDx
Classification: Benign. Last evaluated: 2014-05-09. Review status: criteria provided, single submitter. Criteria: GeneDx Variant Classification (06012015). Collection method: clinical testing. Allele origin: germline. Affected: yes.
Comment: This variant is considered likely benign or benign based on one or more of the following criteria: it is a conservative change, it occurs at a poorly conserved position in the protein, it is predicted to be benign by multiple in silico algorithms, and/or has population frequency not consistent with disease.

PreventionGenetics, part of Exact Sciences
Classification: Likely benign for CDH1-related condition. Last evaluated: 2019-03-12. Review status: no assertion criteria provided. Collection method: clinical testing. Allele origin: germline. Not counted in ClinVar's aggregate classification.
Comment: This variant is classified as likely benign based on ACMG/AMP sequence variant interpretation guidelines (Richards et al. 2015 PMID: 25741868, with internal and published modifications).

Department of Pathology and Laboratory Medicine, Sinai Health System
Classification: Likely benign for Malignant tumor of breast. Review status: no assertion criteria provided. Collection method: clinical testing. Allele origin: unknown. Affected: yes. Study: The Canadian Open Genetics Repository (COGR). Not counted in ClinVar's aggregate classification.
Comment: The CDH1 p.Ile451= variant was not identified in the literature nor was it identified in the Cosmic, or Zhejiang University databases. The variant was identified in dbSNP (ID: rs114192597) as "With Likely benign allele", ClinVar (classified as benign by GeneDx, Quest Diagnostics Nichols Institute San Juan Capistrano and Integrated Genetics/Laboratory Corporation of America; as likely benign by Ambry genetics, Invitae, Color Genomics), and Clinvitae databases. The variant was identified in control databases in 22 of 277240 chromosomes at a frequency of 0.0001 (Genome Aggregation Database Feb 27, 2017). Breakdown of the observations by population include African in 1 of 24040 chromosomes (freq: 0.00004), Latino in 1 of 34420 chromosomes (freq: 0.00003), and European in 20 of 126716 chromosomes (freq: 0.0002), while the variant was not observed in the Other, Ashkenazi Jewish, East Asian, Finnish, and South Asian populations. The p.Ile451= variant is not expected to have clinical significance because it does not result in a change of amino acid and is not located in a known consensus splice site. The variant occurs outside of the splicing consensus sequence and in silico or computational prediction software programs (SpliceSiteFinder, MaxEntScan, NNSPLICE, GeneSplicer, HumanSpliceFinder) do not predict a greater than 10% difference in splicing. In summary, based on the above information the clinical significance of this variant cannot be determined with certainty at this time although we would lean towards a more benign role for this variant. This variant is classified as likely benign.

Mayo Clinic Laboratories, Mayo Clinic
Classification: Likely benign. Review status: no assertion criteria provided. Collection method: clinical testing. Allele origin: unknown. Not counted in ClinVar's aggregate classification.

Literature cited by the submitters: PubMed 11196175 (cited by Women's Health and Genetics/Laboratory Corporation of America, LabCorp).